The following is an entry in ClinVar:

ClinVar aggregate classification (germline): Uncertain significance (1 of 4 stars; one submission).

Conditions:
PRMT9-related disorder.

Submission:

3billion
Classification: Uncertain significance for PRMT9-related disorder. Last evaluated: 2025-12-29. Review status: criteria provided, single submitter. Criteria: ACMG Guidelines, 2015. Collection method: clinical testing. Allele origin: germline. Affected: yes.
Comment: The variant is not observed in the gnomAD v4.1.0 dataset. Predicted Consequence/Location: Stop-gained (nonsense): predicted to result in a loss or disruption of normal protein function through nonsense-mediated decay (NMD) or protein truncation. However, since loss of function is not a known mechanism of the disease, the variant is classified as VUS. Therefore, this variant is classified as VUS according to the recommendation of ACMG/AMP guideline.

NM_138364.4(PRMT9):c.455G>A (p.Trp152Ter)

Gene: PRMT9 (protein arginine methyltransferase 9; minus strand). Cytogenetic location: 4q31.23.
Variant type: single nucleotide variant.
Coding change: c.455G>A on transcript NM_138364.4 (MANE Select); coding-DNA position 455, G replaced by A.
Protein change: p.Trp152Ter; replaces tryptophan 152 with a stop codon.
Molecular consequence: nonsense. On other transcripts: 5 prime UTR variant (2), intron variant (1).
Genome position (GRCh38, 1-based): chr4:147,673,758, C>T on the plus strand (G>A on the coding strand, the complement: PRMT9 is on the minus strand). VCF-style: chr4-147673758-C-T. GRCh37 (hg19) VCF-style: chr4-148594909-C-T.
Other names: c.116G>A, p.Trp39Ter (NM_001304458.2, NM_001350142.2); c.-960G>A (NM_001350141.2); c.-765G>A (NM_001350144.2); c.-305-632G>A (NM_001350143.2); short protein forms W152*, W39*.
Identifiers: ClinVar variation 4854924 (VCV004854924.1).